The following is an entry in ClinVar:

NM_005215.4(DCC):c.1743A>G (p.Leu581=)

Gene: DCC (DCC netrin 1 receptor; plus strand). Cytogenetic location: 18q21.2.
Variant type: single nucleotide variant.
Coding change: c.1743A>G on transcript NM_005215.4 (MANE Select); coding-DNA position 1743, A replaced by G.
Protein change: p.Leu581=; no amino-acid change (leucine 581 retained).
Molecular consequence: synonymous variant.
Genome position (GRCh38, 1-based): chr18:53,207,699, A>G. VCF-style: chr18-53207699-A-G. GRCh37 (hg19) VCF-style: chr18-50734069-A-G.
Identifiers: ClinVar variation 1012438 (VCV001012438.38), dbSNP rs148819965, ClinGen allele CA8966977.

ClinVar aggregate classification (germline): Likely benign (1 of 4 stars; one submission).

Allele frequency attached by ClinVar (database versions not stated): gnomAD 0.00071 and 0.00070; ExAC 0.00073; TOPMed 0.00074; ESP Exome Variant Server 0.00085; gnomAD exomes 0.00110 and 0.00064; 1000 Genomes Project 0.00020; 1000 Genomes Project 30x 0.00031.
gnomAD v4.1: 1,706 of 1,613,702 alleles (0.11%); highest among the groups gnomAD compares: Non-Finnish European, 0.13%; 3 homozygotes.

Submission:

CeGaT Center for Human Genetics Tuebingen
Classification: Likely benign. Last evaluated: 2023-11-01. Review status: criteria provided, single submitter. Criteria: CeGaT Center For Human Genetics Tuebingen Variant Classification Criteria Version 2. Collection method: clinical testing. Allele origin: germline. Affected: yes. Observed: 2 variant alleles.
Comment: DCC: BP4, BP7